The following is an entry in ClinVar:

NM_001384474.1(LOXHD1):c.5963G>A (p.Trp1988Ter)

Gene: LOXHD1 (lipoxygenase homology PLAT domains 1; minus strand). Cytogenetic location: 18q21.1.
Variant type: single nucleotide variant.
Coding change: c.5963G>A on transcript NM_001384474.1 (MANE Select); coding-DNA position 5963, G replaced by A.
Protein change: p.Trp1988Ter; replaces tryptophan 1988 with a stop codon.
Molecular consequence: nonsense.
Genome position (GRCh38, 1-based): chr18:46,489,058, C>T on the plus strand (G>A on the coding strand, the complement: LOXHD1 is on the minus strand). VCF-style: chr18-46489058-C-T. GRCh37 (hg19) VCF-style: chr18-44069021-C-T.
Other names: c.2630G>A, p.Trp877Ter (NM_001145472.3); c.680G>A, p.Trp227Ter (NM_001145473.3, NM_001173129.2); c.2342G>A, p.Trp781Ter (NM_001308013.2); c.5777G>A, p.Trp1926Ter (NM_144612.7); short protein forms W1926*, W877*, W227*, W781*, W1988*.
Identifiers: ClinVar variation 651421 (VCV000651421.6), dbSNP rs1598827107, ClinGen allele CA402366689.

ClinVar aggregate classification (germline): Pathogenic (1 of 4 stars; one submission).

Allele frequency attached by ClinVar (database versions not stated): gnomAD exomes below 0.00001; TOPMed below 0.00001; gnomAD 0.00001.
gnomAD v4.1: 5 of 1,551,590 alleles (0.00032%); highest among the groups gnomAD compares: Non-Finnish European, 0.00044%; no homozygotes.

Submission:

Labcorp Genetics (formerly Invitae), Labcorp
Classification: Pathogenic. Last evaluated: 2018-09-11. Review status: criteria provided, single submitter. Criteria: Invitae Variant Classification Sherloc (09022015). Collection method: clinical testing. Allele origin: germline.
Comment: For these reasons, this variant has been classified as Pathogenic. Loss-of-function variants in LOXHD1 are known to be pathogenic (PMID: 19732867, 21465660, 25792669). This variant has not been reported in the literature in individuals with LOXHD1-related disease. This variant is not present in population databases (ExAC no frequency). This sequence change creates a premature translational stop signal (p.Trp1926*) in the LOXHD1 gene. It is expected to result in an absent or disrupted protein product.

Literature cited by the submitters: PubMed 19732867; PubMed 21465660; PubMed 25792669.